The following is an entry in ClinVar:

ClinVar aggregate classification (germline): Uncertain significance (1 of 4 stars; one submission).

Conditions:
Mucopolysaccharidosis, MPS-III-C (MPS3C). Also called: SANFILIPPO SYNDROME C; MPS III C; mucopolysaccharidosis type 3C; MUCOPOLYSACCHARIDOSIS, TYPE IIIC; MPS IIIC (Sanfilippo Syndrome Type C); Mucopolysaccharidosis type IIIC (Sanfilippo C). Identifiers: Orphanet 581, Orphanet 79271, MedGen C0086649, MONDO:0009657, OMIM 252930.
Retinitis pigmentosa 73 (RP73). Identifiers: Orphanet 791, MedGen C4225287, MONDO:0014687, OMIM 616544.

Allele frequency attached by ClinVar (database versions not stated): TOPMed below 0.00001.

Submission:

Labcorp Genetics (formerly Invitae), Labcorp
Classification: Uncertain significance for Retinitis pigmentosa 73; Mucopolysaccharidosis, MPS-III-C. Last evaluated: 2022-12-02. Review status: criteria provided, single submitter. Criteria: Invitae Variant Classification Sherloc (09022015). Collection method: clinical testing. Allele origin: germline.
Comment: In summary, the available evidence is currently insufficient to determine the role of this variant in disease. Therefore, it has been classified as a Variant of Uncertain Significance. Advanced modeling of protein sequence and biophysical properties (such as structural, functional, and spatial information, amino acid conservation, physicochemical variation, residue mobility, and thermodynamic stability) performed at Invitae indicates that this missense variant is expected to disrupt HGSNAT protein function. This variant has not been reported in the literature in individuals affected with HGSNAT-related conditions. This variant is not present in population databases (gnomAD no frequency). This sequence change replaces tyrosine, which is neutral and polar, with cysteine, which is neutral and slightly polar, at codon 419 of the HGSNAT protein (p.Tyr419Cys).

NM_152419.3(HGSNAT):c.1256A>G (p.Tyr419Cys)

Gene: HGSNAT (heparan-alpha-glucosaminide N-acetyltransferase; plus strand). Cytogenetic location: 8p11.21.
Variant type: single nucleotide variant.
Coding change: c.1256A>G on transcript NM_152419.3 (MANE Select); coding-DNA position 1256, A replaced by G.
Protein change: p.Tyr419Cys; replaces tyrosine 419 with cysteine.
Molecular consequence: missense variant.
Genome position (GRCh38, 1-based): chr8:43,192,309, A>G. VCF-style: chr8-43192309-A-G. GRCh37 (hg19) VCF-style: chr8-43047452-A-G.
Other names: c.1256A>G, p.Tyr419Cys (NM_001363227.2); c.1064A>G, p.Tyr355Cys (NM_001363228.2); c.392A>G, p.Tyr131Cys (NM_001363229.2); short protein forms Y419C, Y131C, Y355C.
Identifiers: ClinVar variation 2106439 (VCV002106439.4), dbSNP rs1804564462, ClinGen allele CA371119546.